The following is an entry in ClinVar:

ClinVar aggregate classification (germline): no classifications from unflagged records (0 of 4 stars; one submission).

Submission:

Bionano Laboratories
Classification: Uncertain significance. Last evaluated: 2017-12-13. Review status: flagged submission. Collection method: clinical testing. Allele origin: unknown.
ClinVar note: Notes: This submission was flagged because its interpretation of this variant conflicts with the ClinGen Gene Dosage Map curation for the gene SDHD.
ClinVar note: Reason: Conflict with ClinGen Gene Dosage Map

GRCh37/hg19 11q23.1-23.3(chr11:110969076-114578509)x1

Genes: PLET1 (placenta expressed transcript 1; minus strand), POU2AF1 (POU class 2 homeobox associating factor 1; minus strand), USP28 (ubiquitin specific peptidase 28; minus strand), POU2AF2 (POU class 2 homeobox associating factor 2; plus strand), POU2AF3 (POU class 2 homeobox associating factor 3; plus strand) and 42 more. Cytogenetic location: 11q23.1-23.3.
Variant type: copy number loss.
Change: copy number 1 (one copy instead of two) of chr11:110,969,076-114,578,509 (3.61 Mb, GRCh37 coordinates, 1-based), cytogenetic band 11q23.1-23.3.
Identifiers: ClinVar variation 688245 (VCV000688245.3).